The following is an entry in ClinVar:

ClinVar aggregate classification (germline): Uncertain significance. Review status: criteria provided, multiple submitters, no conflicts (2 of 4 stars). 3 submissions from 2 submitters: Uncertain significance (3). Last evaluated 2022-07-12.

Conditions:
Early-infantile DEE. Also called: Early infantile epileptic encephalopathy; Early infantile epileptic encephalopathy with suppression bursts; Ohtahara syndrome. Identifiers: Orphanet 1934, MedGen C0393706, MONDO:0800491.
Migraine, familial hemiplegic, 3. Identifiers: Orphanet 569, MedGen C1864987, MONDO:0012320, OMIM 609634.
Generalized epilepsy with febrile seizures plus, type 2 (GEFSP2). Also called: GEFS+, TYPE 2. Identifiers: Orphanet 36387, MedGen C1858673, MONDO:0011461, OMIM 604403.

Submissions (3):

Labcorp Genetics (formerly Invitae), Labcorp
Classification: Uncertain significance for Early-infantile DEE. Last evaluated: 2022-07-12. Review status: criteria provided, single submitter. Criteria: Invitae Variant Classification Sherloc (09022015). Collection method: clinical testing. Allele origin: germline.
Comment: This missense change has been observed in individual(s) with clinical features of SCN1A-related conditions (Invitae). This variant is not present in population databases (gnomAD no frequency). This sequence change replaces proline, which is neutral and non-polar, with alanine, which is neutral and non-polar, at codon 189 of the SCN1A protein (p.Pro189Ala). ClinVar contains an entry for this variant (Variation ID: 331894). In summary, the available evidence is currently insufficient to determine the role of this variant in disease. Therefore, it has been classified as a Variant of Uncertain Significance. Advanced modeling of protein sequence and biophysical properties (such as structural, functional, and spatial information, amino acid conservation, physicochemical variation, residue mobility, and thermodynamic stability) performed at Invitae indicates that this missense variant is expected to disrupt SCN1A protein function.

Illumina Laboratory Services, Illumina
Classification: Uncertain significance for Migraine, familial hemiplegic, 3. Last evaluated: 2018-01-12. Review status: criteria provided, single submitter. Criteria: ICSL Variant Classification Criteria 13 December 2019. Collection method: clinical testing. Allele origin: germline.

Illumina Laboratory Services, Illumina
Classification: Uncertain significance for Generalized epilepsy with febrile seizures plus, type 2. Last evaluated: 2018-01-12. Review status: criteria provided, single submitter. Criteria: ICSL Variant Classification Criteria 13 December 2019. Collection method: clinical testing. Allele origin: germline.

NM_001165963.4(SCN1A):c.565C>G (p.Pro189Ala)

Gene: SCN1A (sodium voltage-gated channel alpha subunit 1; minus strand). Cytogenetic location: 2q24.3.
Variant type: single nucleotide variant.
Coding change: c.565C>G on transcript NM_001165963.4 (MANE Select); coding-DNA position 565, C replaced by G.
Protein change: p.Pro189Ala; replaces proline 189 with alanine.
Molecular consequence: missense variant. On other transcripts: non-coding transcript variant (1), 5 prime UTR variant (1).
Genome position (GRCh38, 1-based): chr2:166,054,675, G>C on the plus strand (C>G on the coding strand, the complement: SCN1A is on the minus strand). VCF-style: chr2-166054675-G-C. GRCh37 (hg19) VCF-style: chr2-166911185-G-C.
Other names: c.565C>G, p.Pro189Ala (NM_006920.6, NM_001165964.3, NM_001202435.3 and 10 more transcripts); c.-1861C>G (NM_001353961.2); short protein forms P189A.
Identifiers: ClinVar variation 331894 (VCV000331894.15), dbSNP rs886055046, ClinGen allele CA10611576.